The following is an entry in ClinVar:

NM_022081.6(HPS4):c.1935G>A (p.Ala645=)

Gene: HPS4 (HPS4 biogenesis of lysosomal organelles complex 3 subunit 2; minus strand). Cytogenetic location: 22q12.1.
Variant type: single nucleotide variant.
Coding change: c.1935G>A on transcript NM_022081.6 (MANE Select); coding-DNA position 1935, G replaced by A.
Protein change: p.Ala645=; no amino-acid change (alanine 645 retained).
Molecular consequence: synonymous variant. On other transcripts: non-coding transcript variant (8), intron variant (2).
Genome position (GRCh38, 1-based): chr22:26,457,879, C>T on the plus strand (G>A on the coding strand, the complement: HPS4 is on the minus strand). VCF-style: chr22-26457879-C-T. GRCh37 (hg19) VCF-style: chr22-26853845-C-T.
Other names: p.Ala645=; c.1935G>A, p.Ala645= (NM_001349896.1, NM_001349898.2, NM_001349899.2 and 2 more transcripts); c.1989G>A, p.Ala663= (NM_001349900.2, NM_001349901.1); c.1920G>A, p.Ala640= (NM_152841.2); c.1714-4475G>A (NM_001349902.1, NM_001349903.2); c.1935G>A (NM_022081.5).
Identifiers: ClinVar variation 1632479 (VCV001632479.9), dbSNP rs769678704, ClinGen allele CA10163147.

ClinVar aggregate classification (germline): Likely benign. Review status: criteria provided, multiple submitters, no conflicts (2 of 4 stars). 2 submissions from 2 submitters: Likely benign (2). Last evaluated 2026-01-21.

gnomAD v4.1: 32 of 1,614,082 alleles (0.002%); highest among the groups gnomAD compares: East Asian, 0.0045%; no homozygotes.

Submissions (2):

Labcorp Genetics (formerly Invitae), Labcorp
Classification: Likely benign. Last evaluated: 2026-01-21. Review status: criteria provided, single submitter. Criteria: Invitae Variant Classification Sherloc (09022015). Collection method: clinical testing. Allele origin: germline.

Mayo Clinic Laboratories, Mayo Clinic
Classification: Likely benign. Last evaluated: 2025-10-09. Review status: criteria provided, single submitter. Criteria: ACMG Guidelines, 2015. Collection method: clinical testing. Allele origin: germline. Observed: 1 variant allele.
Comment: BP4, BP7